The following is an entry in ClinVar:

ClinVar aggregate classification (germline): Benign (1 of 4 stars; one submission).

Allele frequency attached by ClinVar (database versions not stated): 1000 Genomes Project 0.12181; gnomAD 0.15467 and 0.14921; 1000 Genomes Project 30x 0.12883; TOPMed 0.14676.
gnomAD v4.1: 22,595 of 152,208 alleles (15%); highest among the groups gnomAD compares: African/African-American, 26%; 2,060 homozygotes.

Submission:

GeneDx
Classification: Benign. Last evaluated: 2018-06-16. Review status: criteria provided, single submitter. Criteria: GeneDx Variant Classification (06012015). Collection method: clinical testing. Allele origin: germline. Affected: yes.
Comment: This variant is considered likely benign or benign based on one or more of the following criteria: it is a conservative change, it occurs at a poorly conserved position in the protein, it is predicted to be benign by multiple in silico algorithms, and/or has population frequency not consistent with disease.

NM_001386795.1(DTNA):c.363-198A>G

Gene: DTNA (dystrobrevin alpha; plus strand). Cytogenetic location: 18q12.1.
Variant type: single nucleotide variant.
Coding change: c.363-198A>G on transcript NM_001386795.1 (MANE Select); 198 bases into the intron before coding-DNA position 363, A replaced by G.
Molecular consequence: intron variant.
Genome position (GRCh38, 1-based): chr18:34,806,021, A>G. VCF-style: chr18-34806021-A-G. GRCh37 (hg19) VCF-style: chr18-32385985-A-G.
Other names: c.363-198A>G (NM_032975.4, NM_001386761.1, NM_001386762.1 and 35 more transcripts).
Identifiers: ClinVar variation 672612 (VCV000672612.1), dbSNP rs11664400, ClinGen allele CA298589305.